The following is an entry in ClinVar:

NM_139276.3(STAT3):c.1842_1849delinsTGAAA (p.Lys615_Gly617delinsGluArg)

Gene: STAT3 (signal transducer and activator of transcription 3; minus strand). Cytogenetic location: 17q21.2.
Variant type: Indel.
Coding change: c.1842_1849delinsTGAAA on transcript NM_139276.3 (MANE Select); coding-DNA positions 1842 to 1849, CAAAGAAG replaced by TGAAA.
Protein change: p.Lys615_Gly617delinsGluArg.
Molecular consequence: inframe indel.
Genome position (GRCh38, 1-based): chr17:42,323,043-42,323,050, CTTCTTTG replaced by TTTCA on the plus strand (CAAAGAAG replaced by TGAAA on the coding strand, the reverse complement: STAT3 is on the minus strand). VCF-style: chr17-42323043-CTTCTTTG-TTTCA. GRCh37 (hg19) VCF-style: chr17-40475061-CTTCTTTG-TTTCA.
Other names: c.1842_1849delinsTGAAA, p.Lys615_Gly617delinsGluArg (NM_001369512.1, NM_001369513.1, NM_001369514.1 and 9 more transcripts); c.1758_1765delinsTGAAA, p.Lys587_Gly589delinsGluArg (NM_001384984.1); c.1764_1771delinsTGAAA, p.Lys589_Gly591delinsGluArg (NM_001384985.1); c.1857_1864delinsTGAAA, p.Lys620_Gly622delinsGluArg (NM_001384986.1, NM_001384990.1); c.1821_1828delinsTGAAA, p.Lys608_Gly610delinsGluArg (NM_001384987.1); c.1746_1753delinsTGAAA, p.Lys583_Gly585delinsGluArg (NM_001384989.1); c.1815_1822delinsTGAAA, p.Lys606_Gly608delinsGluArg (NM_001384991.1); c.1782_1789delinsTGAAA, p.Lys595_Gly597delinsGluArg (NM_001384992.1).
Identifiers: ClinVar variation 2431627 (VCV002431627.1), dbSNP rs2509212400, ClinGen allele CA2580093747.

ClinVar aggregate classification (germline): Likely pathogenic (1 of 4 stars; one submission).

Conditions:
Hyper-IgE recurrent infection syndrome 1, autosomal dominant. Also called: JOB SYNDROME; Hyper-IgE recurrent infection syndrome 1; STAT3 Hyper IgE Syndrome; HYPER-IgE SYNDROME 1, AUTOSOMAL DOMINANT, WITH RECURRENT INFECTIONS; Job's Syndrome. Identifiers: Orphanet 2314, MedGen C2936739, MONDO:0007818, OMIM 147060.

Submission:

Laboratorio de Genetica e Diagnostico Molecular, Hospital Israelita Albert Einstein
Classification: Likely pathogenic for Hyper-IgE recurrent infection syndrome 1, autosomal dominant. Last evaluated: 2022-10-28. Review status: criteria provided, single submitter. Criteria: ACMG Guidelines, 2015. Collection method: clinical testing. Allele origin: germline. Affected: yes. Observed: 1 variant allele.
Comment: ACMG classification criteria: PM1 moderated, PM2 moderated, PM4